The following is an entry in ClinVar:

NM_000046.5(ARSB):c.1451G>C (p.Arg484Thr)

Gene: ARSB (arylsulfatase B; minus strand). Cytogenetic location: 5q14.1.
Variant type: single nucleotide variant.
Coding change: c.1451G>C on transcript NM_000046.5 (MANE Select); coding-DNA position 1451, G replaced by C.
Protein change: p.Arg484Thr; replaces arginine 484 with threonine.
Molecular consequence: missense variant.
Genome position (GRCh38, 1-based): chr5:78,780,548, C>G on the plus strand (G>C on the coding strand, the complement: ARSB is on the minus strand). VCF-style: chr5-78780548-C-G. GRCh37 (hg19) VCF-style: chr5-78076371-C-G.
Other names: short protein forms R484T.
Identifiers: ClinVar variation 2173950 (VCV002173950.5), dbSNP rs2478818657, ClinGen allele CA360339085.
Genomic context (GRCh38, chr5:78,780,548, plus strand): 5'-AACTGTAGGCGGGACAGGAGCTTTGTGACGATGTGAGGATATTCTCTGGACAGGTCATGT[C>G]TTTCTTCAGGGTCCCGATCAATATCAAAGAGCCAGAGGGTCTTGGTTGGTGGGTCTGATG-3'
Protein context (NP_000037.2, residues 474-494): LFDIDRDPEE[Arg484Thr]HDLSREYPHI

ClinVar aggregate classification (germline): Conflicting classifications of pathogenicity. Review status: criteria provided, conflicting classifications (1 of 4 stars). 2 submissions from 2 submitters: Likely pathogenic (1); Uncertain significance (1). Last evaluated 2025-12-22.

Conditions:
Mucopolysaccharidosis type 6 (MPS6). Also called: MPS 6; Maroteaux Lamy syndrome; MPS VI; N-ACETYLGALACTOSAMINE-4-SULFATASE DEFICIENCY; ARSB DEFICIENCY; ARYLSULFATASE B DEFICIENCY. Identifiers: Orphanet 583, MedGen C0026709, MONDO:0009661, OMIM 253200.

Allele frequency attached by ClinVar (database versions not stated): gnomAD exomes below 0.00001.
gnomAD v4.1: 2 of 1,614,100 alleles (0.00012%); highest among the groups gnomAD compares: Non-Finnish European, 0.00017%; no homozygotes.

Submissions (2):

Labcorp Genetics (formerly Invitae), Labcorp
Classification: Likely pathogenic for Mucopolysaccharidosis type 6. Last evaluated: 2025-12-22. Review status: criteria provided, single submitter. Criteria: Invitae Variant Classification Sherloc (09022015). Collection method: clinical testing. Allele origin: germline.
Comment: This sequence change replaces arginine, which is basic and polar, with threonine, which is neutral and polar, at codon 484 of the ARSB protein (p.Arg484Thr). This variant is not present in population databases (gnomAD no frequency). This variant has not been reported in the literature in individuals affected with ARSB-related conditions. ClinVar contains an entry for this variant (Variation ID: 2173950). Invitae Evidence Modeling of protein sequence and biophysical properties (such as structural, functional, and spatial information, amino acid conservation, physicochemical variation, residue mobility, and thermodynamic stability) has been performed for this missense variant. However, the output from this modeling did not meet the statistical confidence thresholds required to predict the impact of this variant on ARSB protein function. This variant disrupts the p.Arg484 amino acid residue in ARSB. Other variant(s) that disrupt this residue have been determined to be pathogenic (PMID: 14974081). This suggests that this residue is clinically significant, and that variants that disrupt this residue are likely to be disease-causing. In summary, the currently available evidence indicates that the variant is pathogenic, but additional data are needed to prove that conclusively. Therefore, this variant has been classified as Likely Pathogenic.

Women's Health and Genetics/Laboratory Corporation of America, LabCorp
Classification: Uncertain significance. Last evaluated: 2024-05-29. Review status: criteria provided, single submitter. Criteria: LabCorp Variant Classification Summary - May 2015. Collection method: clinical testing. Allele origin: germline.
Comment: Variant summary: ARSB c.1451G>C (p.Arg484Thr) results in a non-conservative amino acid change in the encoded protein sequence. Three of five in-silico tools predict a damaging effect of the variant on protein function. The variant was absent in 251458 control chromosomes. The available data on variant occurrences in the general population are insufficient to allow any conclusion about variant significance. To our knowledge, no occurrence of c.1451G>C in individuals affected with Mucopolysaccharidosis Type VI (Maroteaux-Lamy Syndrome) and no experimental evidence demonstrating its impact on protein function have been reported. ClinVar contains an entry for this variant (Variation ID: 2173950). Based on the evidence outlined above, the variant was classified as uncertain significance.

Literature cited by the submitters: PubMed 14974081 (cited by Labcorp Genetics (formerly Invitae), Labcorp).